The following is an entry in ClinVar:

NM_133642.5(LARGE1):c.1021G>A (p.Val341Ile)

Gene: LARGE1 (LARGE xylosyl- and glucuronyltransferase 1; minus strand). Cytogenetic location: 22q12.3.
Variant type: single nucleotide variant.
Coding change: c.1021G>A on transcript NM_133642.5 (MANE Select); coding-DNA position 1021, G replaced by A.
Protein change: p.Val341Ile; replaces valine 341 with isoleucine.
Molecular consequence: missense variant.
Genome position (GRCh38, 1-based): chr22:33,382,029, C>T on the plus strand (G>A on the coding strand, the complement: LARGE1 is on the minus strand). VCF-style: chr22-33382029-C-T. GRCh37 (hg19) VCF-style: chr22-33778015-C-T.
Other names: c.1021G>A, p.Val341Ile (NM_001362949.2, NM_001362951.2, NM_001362953.2 and 7 more transcripts); c.418G>A, p.Val140Ile (NM_001378630.1, NM_001378631.1); short protein forms V140I, V341I.
Identifiers: ClinVar variation 2021055 (VCV002021055.3), dbSNP rs766163620, ClinGen allele CA10202864.

ClinVar aggregate classification (germline): Uncertain significance (1 of 4 stars; one submission).

Conditions:
Muscular dystrophy-dystroglycanopathy type B6 (MDDGB6). Also called: MUSCULAR DYSTROPHY-DYSTROGLYCANOPATHY (CONGENITAL WITH IMPAIRED INTELLECTUAL DEVELOPMENT), TYPE B, 6; MUSCULAR DYSTROPHY, CONGENITAL, LARGE-RELATED; MUSCULAR DYSTROPHY, CONGENITAL, TYPE 1D. Identifiers: MedGen C1837229, MONDO:0012138, OMIM 608840.

Allele frequency attached by ClinVar (database versions not stated): gnomAD 0.00001; gnomAD exomes 0.00001; TOPMed 0.00001; ExAC 0.00003.
gnomAD v4.1: 14 of 1,613,946 alleles (0.00087%); highest among the groups gnomAD compares: East Asian, 0.0067%; no homozygotes.

Submission:

Labcorp Genetics (formerly Invitae), Labcorp
Classification: Uncertain significance for Muscular dystrophy-dystroglycanopathy type B6. Last evaluated: 2024-02-17. Review status: criteria provided, single submitter. Criteria: Invitae Variant Classification Sherloc (09022015). Collection method: clinical testing. Allele origin: germline.
Comment: This sequence change replaces valine, which is neutral and non-polar, with isoleucine, which is neutral and non-polar, at codon 341 of the LARGE1 protein (p.Val341Ile). This variant is present in population databases (rs766163620, gnomAD 0.03%). This variant has not been reported in the literature in individuals affected with LARGE1-related conditions. ClinVar contains an entry for this variant (Variation ID: 2021055). Advanced modeling of protein sequence and biophysical properties (such as structural, functional, and spatial information, amino acid conservation, physicochemical variation, residue mobility, and thermodynamic stability) performed at Invitae indicates that this missense variant is not expected to disrupt LARGE1 protein function with a negative predictive value of 80%. In summary, the available evidence is currently insufficient to determine the role of this variant in disease. Therefore, it has been classified as a Variant of Uncertain Significance.